The following is an entry in ClinVar:

ClinVar aggregate classification (germline): Pathogenic. Review status: criteria provided, multiple submitters, no conflicts (2 of 4 stars). 2 submissions from 2 submitters: Pathogenic (2). Last evaluated 2026-03-16.

Conditions:
Familial thoracic aortic aneurysm and aortic dissection (TAAD). Also called: Thoracic aortic aneurysms and dissections. Identifiers: Orphanet 91387, MedGen C4707243, MONDO:0019625.
Familial aortopathy. Identifiers: MedGen CN078214.

Submissions (2):

Women's Health and Genetics/Laboratory Corporation of America, LabCorp
Classification: Pathogenic for Familial aortopathy. Last evaluated: 2026-03-16. Review status: criteria provided, single submitter. Criteria: LabCorp Variant Classification Summary - May 2015. Collection method: clinical testing. Allele origin: germline.
Comment: Variant summary: SMAD3 c.960T>A (p.Cys320X) results in a premature termination codon, predicted to cause a truncation of the encoded protein or absence of the protein due to nonsense mediated decay, which are commonly known mechanisms for disease. The variant was absent in 251444 control chromosomes. To our knowledge, no occurrence of c.960T>A in individuals affected with SMAD3-related conditions and no experimental evidence demonstrating its impact on protein function have been reported. ClinVar contains an entry for this variant (Variation ID: 4635566). Based on the evidence outlined above, the variant was classified as pathogenic.

Ambry Genetics
Classification: Pathogenic for Familial thoracic aortic aneurysm and aortic dissection. Last evaluated: 2025-10-20. Review status: criteria provided, single submitter. Criteria: Ambry Variant Classification Scheme 2023. Collection method: clinical testing. Allele origin: germline.
Comment: The p.C320* pathogenic mutation (also known as c.960T>A), located in coding exon 7 of the SMAD3 gene, results from a T to A substitution at nucleotide position 960. This changes the amino acid from a cysteine to a stop codon within coding exon 7. This variant is considered to be rare based on population cohorts in the Genome Aggregation Database (gnomAD). This alteration is expected to result in loss of function by premature protein truncation or nonsense-mediated mRNA decay. As such, this alteration is interpreted as a disease-causing mutation.

NM_005902.4(SMAD3):c.960T>A (p.Cys320Ter)

Gene: SMAD3 (SMAD family member 3; plus strand). Cytogenetic location: 15q22.33.
Variant type: single nucleotide variant.
Coding change: c.960T>A on transcript NM_005902.4 (MANE Select); coding-DNA position 960, T replaced by A.
Protein change: p.Cys320Ter; replaces cysteine 320 with a stop codon.
Molecular consequence: nonsense. On other transcripts: intron variant (1).
Genome position (GRCh38, 1-based): chr15:67,184,815, T>A. VCF-style: chr15-67184815-T-A. GRCh37 (hg19) VCF-style: chr15-67477153-T-A.
Other names: c.645T>A, p.Cys215Ter (NM_001145102.2, NM_001407016.1); c.828T>A, p.Cys276Ter (NM_001145103.2, NM_001407012.1); c.375T>A, p.Cys125Ter (NM_001145104.2, NM_001407017.1); c.960T>A, p.Cys320Ter (NM_001407011.1); c.813T>A, p.Cys271Ter (NM_001407014.1); c.513T>A, p.Cys171Ter (NM_001407015.1); c.872-2550T>A (NM_001407013.1); short protein forms C171*, C125*, C215*, C320*, C271*, C276*.
Identifiers: ClinVar variation 4635566 (VCV004635566.2).